The following is an entry in ClinVar:

NM_000807.4(GABRA2):c.398A>G (p.Lys133Arg)

Gene: GABRA2 (gamma-aminobutyric acid type A receptor subunit alpha2; minus strand). Cytogenetic location: 4p12.
Variant type: single nucleotide variant.
Coding change: c.398A>G on transcript NM_000807.4 (MANE Select); coding-DNA position 398, A replaced by G.
Protein change: p.Lys133Arg; replaces lysine 133 with arginine.
Molecular consequence: missense variant.
Genome position (GRCh38, 1-based): chr4:46,312,574, T>C on the plus strand (A>G on the coding strand, the complement: GABRA2 is on the minus strand). VCF-style: chr4-46312574-T-C. GRCh37 (hg19) VCF-style: chr4-46314591-T-C.
Other names: c.398A>G (NM_001114175.1); c.398A>G, p.Lys133Arg (NM_001114175.3, NM_001330690.2, NM_001377144.1 and 8 more transcripts); c.233A>G, p.Lys78Arg (NM_001286827.3, NM_001377152.1, NM_001377153.1 and 1 more transcripts); short protein forms K78R, K133R.
Identifiers: ClinVar variation 3020369 (VCV003020369.4), dbSNP rs199561756, ClinGen allele CA97086373.

ClinVar aggregate classification (germline): Uncertain significance. Review status: criteria provided, multiple submitters, no conflicts (2 of 4 stars). 2 submissions from 2 submitters: Uncertain significance (2). Last evaluated 2025-04-29.

Conditions:
Inborn genetic diseases. Identifiers: MedGen C0950123, MeSH D030342.

Allele frequency attached by ClinVar (database versions not stated): gnomAD 0.00002; TOPMed 0.00002; 1000 Genomes Project 0.00020; 1000 Genomes Project 30x 0.00031.

Submissions (2):

Labcorp Genetics (formerly Invitae), Labcorp
Classification: Uncertain significance. Last evaluated: 2025-04-29. Review status: criteria provided, single submitter. Criteria: Invitae Variant Classification Sherloc (09022015). Collection method: clinical testing. Allele origin: germline.
Comment: This sequence change replaces lysine, which is basic and polar, with arginine, which is basic and polar, at codon 133 of the GABRA2 protein (p.Lys133Arg). The frequency data for this variant in the population databases is considered unreliable, as metrics indicate poor data quality at this position in the gnomAD database. This variant has not been reported in the literature in individuals affected with GABRA2-related conditions. ClinVar contains an entry for this variant (Variation ID: 3020369). An algorithm developed to predict the effect of missense changes on protein structure and function (PolyPhen-2) suggests that this variant is likely to be disruptive. In summary, the available evidence is currently insufficient to determine the role of this variant in disease. Therefore, it has been classified as a Variant of Uncertain Significance.

Ambry Genetics
Classification: Uncertain significance for Inborn genetic diseases. Last evaluated: 2024-01-04. Review status: criteria provided, single submitter. Criteria: Ambry Variant Classification Scheme 2023. Collection method: clinical testing. Allele origin: germline.